The following is an entry in ClinVar:

NM_001110556.2(FLNA):c.16T>C (p.Ser6Pro)

Gene: FLNA (filamin A; minus strand). Cytogenetic location: Xq28.
Variant type: single nucleotide variant.
Coding change: c.16T>C on transcript NM_001110556.2 (MANE Select); coding-DNA position 16, T replaced by C.
Protein change: p.Ser6Pro; replaces serine 6 with proline.
Molecular consequence: missense variant.
Genome position (GRCh38, 1-based): chrX:154,371,230, A>G on the plus strand (T>C on the coding strand, the complement: FLNA is on the minus strand). VCF-style: chrX-154371230-A-G. GRCh37 (hg19) VCF-style: chrX-153599598-A-G.
Other names: c.16T>C, p.Ser6Pro (NM_001456.4); short protein forms S6P.
Identifiers: ClinVar variation 450488 (VCV000450488.10), dbSNP rs1557180289, ClinGen allele CA415255897.

ClinVar aggregate classification (germline): Conflicting classifications of pathogenicity. Review status: criteria provided, conflicting classifications (1 of 4 stars). 3 submissions from 3 submitters: Uncertain significance (2); Likely benign (1). Last evaluated 2026-06-01.

Conditions:
Melnick-Needles syndrome (MNS). Also called: Melnick-Needles Syndrome (FLNA-MNS); MELNICK-NEEDLES OSTEODYSPLASTY; OSTEODYSPLASTY OF MELNICK AND NEEDLES. Identifiers: Orphanet 2484, MedGen C0025237, MONDO:0010650, OMIM 309350.
Oto-palato-digital syndrome, type II (OPD2). Also called: Otopalatodigital Syndrome Type 2 (FLNA-OPD2); OPD II SYNDROME; Otopalatodigital Syndrome, Type II; FACIOPALATOOSSEOUS SYNDROME. Identifiers: Orphanet 669, Orphanet 90652, MedGen C1844696, MONDO:0010571, OMIM 304120.
Frontometaphyseal dysplasia (FMD1). Identifiers: Orphanet 1826, MedGen C0265293, MONDO:0015942.
Heterotopia, periventricular, X-linked dominant (PVNH1). Also called: PERIVENTRICULAR NODULAR HETEROTOPIA 1; PERIVENTRICULAR NODULAR HETEROTOPIA 4; HETEROTOPIA, PERIVENTRICULAR, 1; X-linked periventricular heterotopia. Identifiers: Orphanet 2149, Orphanet 82004, MedGen C1848213, MONDO:0010233, OMIM 300049.

Allele frequency attached by ClinVar (database versions not stated): gnomAD exomes below 0.00001 and 0.00001.
gnomAD v4.1: 2 of 1,200,615 alleles (0.00017%); highest among the groups gnomAD compares: Admixed American, 0.0022%; no homozygotes.

Submissions (3):

CeGaT Center for Human Genetics Tuebingen
Classification: Uncertain significance. Last evaluated: 2026-06-01. Review status: criteria provided, single submitter. Criteria: CeGaT Center For Human Genetics Tuebingen Variant Classification Criteria Version 2. Collection method: clinical testing. Allele origin: germline. Affected: yes. Observed: 1 variant allele.
Comment: FLNA: PM2:Supporting

Labcorp Genetics (formerly Invitae), Labcorp
Classification: Likely benign for Oto-palato-digital syndrome, type II; Heterotopia, periventricular, X-linked dominant; Frontometaphyseal dysplasia; Melnick-Needles syndrome. Last evaluated: 2024-11-05. Review status: criteria provided, single submitter. Criteria: Invitae Variant Classification Sherloc (09022015). Collection method: clinical testing. Allele origin: germline.

GeneDx
Classification: Uncertain significance. Last evaluated: 2023-07-24. Review status: criteria provided, single submitter. Criteria: GeneDx Variant Classification Process June 2021. Collection method: clinical testing. Allele origin: germline. Affected: yes.
Comment: Has not been previously published as pathogenic or benign to our knowledge; In silico analysis supports that this missense variant does not alter protein structure/function